The following is an entry in ClinVar:

ClinVar aggregate classification (germline): Pathogenic (1 of 4 stars; one submission).

Submission:

Labcorp Genetics (formerly Invitae), Labcorp
Classification: Pathogenic. Last evaluated: 2022-05-09. Review status: criteria provided, single submitter. Criteria: Invitae Variant Classification Sherloc (09022015). Collection method: clinical testing. Allele origin: germline.
Comment: This variant has not been reported in the literature in individuals affected with COL7A1-related conditions. This variant is not present in population databases (gnomAD no frequency). This sequence change creates a premature translational stop signal (p.Gly2437Argfs*46) in the COL7A1 gene. It is expected to result in an absent or disrupted protein product. Loss-of-function variants in COL7A1 are known to be pathogenic (PMID: 16971478). For these reasons, this variant has been classified as Pathogenic.

Literature cited by the submitters: PubMed 16971478.

NM_000094.4(COL7A1):c.7304dup (p.Gly2437fs)

Gene: COL7A1 (collagen type VII alpha 1 chain; minus strand). Cytogenetic location: 3p21.31.
Variant type: Duplication.
Coding change: c.7304dup on transcript NM_000094.4 (MANE Select); coding-DNA position 7304, one base duplicated (T; older notation c.7304dupT).
Protein change: p.Gly2437fs; shifts the reading frame from glycine 2437.
Molecular consequence: frameshift variant.
Genome position (GRCh38, 1-based): chr3:48,570,679, A duplicated on the plus strand (T on the coding strand, the reverse complement: COL7A1 is on the minus strand). VCF-style (leftmost placement, unchanged base first): chr3-48570678-G-GA. GRCh37 (hg19) VCF-style: chr3-48608111-G-GA.
Other names: short protein forms G2437fs.
Identifiers: ClinVar variation 2135881 (VCV002135881.4), dbSNP rs2530866886, ClinGen allele CA2580070207.
Genomic context (GRCh38, chr3:48,570,678, plus strand): 5'-CTTTAGGGCACCTCTACTCACCACTGACCCCGGTGGTCCAGGTGGCCCCAGGGGTCCTGG[G>GA]ATTCCTTCTCTCCCTGGGGGGCCTGCCAGACCCTACCAGAAAAATGGGGCAAGAGAGGCA-3'